The following is an entry in ClinVar:

ClinVar aggregate classification (germline): Uncertain significance. Review status: criteria provided, multiple submitters, no conflicts (2 of 4 stars). 2 submissions from 2 submitters: Uncertain significance (2). Last evaluated 2023-08-08.

Conditions:
Joubert syndrome. Also called: Familial aplasia of the vermis; JOUBERT-BOLTSHAUSER SYNDROME. Identifiers: Orphanet 475, MedGen C5979921, MONDO:0018772.
Orofaciodigital syndrome I (OFD1). Also called: Papillon-Leage and Psaume Syndrome; Oral-Facial-Digital Syndrome Type I; OFDS I. Identifiers: Orphanet 2750, MedGen C1510460, MONDO:0010702, OMIM 311200.

gnomAD v4.1: 1 of 1,211,013 alleles (0.000083%); no homozygotes.

Submissions (2):

Labcorp Genetics (formerly Invitae), Labcorp
Classification: Uncertain significance for Orofaciodigital syndrome I; Joubert syndrome. Last evaluated: 2023-08-08. Review status: criteria provided, single submitter. Criteria: Invitae Variant Classification Sherloc (09022015). Collection method: clinical testing. Allele origin: germline.
Comment: This sequence change replaces histidine, which is basic and polar, with tyrosine, which is neutral and polar, at codon 50 of the OFD1 protein (p.His50Tyr). This variant is not present in population databases (gnomAD no frequency). In summary, the available evidence is currently insufficient to determine the role of this variant in disease. Therefore, it has been classified as a Variant of Uncertain Significance. Advanced modeling of protein sequence and biophysical properties (such as structural, functional, and spatial information, amino acid conservation, physicochemical variation, residue mobility, and thermodynamic stability) performed at Invitae indicates that this missense variant is not expected to disrupt OFD1 protein function. This variant has not been reported in the literature in individuals affected with OFD1-related conditions.

Blueprint Genetics
Classification: Uncertain significance. Last evaluated: 2021-10-22. Review status: criteria provided, single submitter. Criteria: ACMG Guidelines, 2015. Collection method: clinical testing. Allele origin: germline.

NM_003611.3(OFD1):c.148C>T (p.His50Tyr)

Gene: OFD1 (OFD1 centriole and centriolar satellite protein; plus strand). Cytogenetic location: Xp22.2.
Variant type: single nucleotide variant.
Coding change: c.148C>T on transcript NM_003611.3 (MANE Select); coding-DNA position 148, C replaced by T.
Protein change: p.His50Tyr; replaces histidine 50 with tyrosine.
Molecular consequence: missense variant. On other transcripts: 5 prime UTR variant (1).
Genome position (GRCh38, 1-based): chrX:13,736,514, C>T. VCF-style: chrX-13736514-C-T. GRCh37 (hg19) VCF-style: chrX-13754633-C-T.
Other names: c.148C>T, p.His50Tyr (NM_001330209.2); c.-398C>T (NM_001330210.2); short protein forms H50Y.
Identifiers: ClinVar variation 2937328 (VCV002937328.4), dbSNP rs2518758176, ClinGen allele CA412333117.